The following is an entry in ClinVar:

NM_018319.4(TDP1):c.1705A>G (p.Thr569Ala)

Gene: TDP1 (tyrosyl-DNA phosphodiesterase 1; plus strand). Cytogenetic location: 14q32.11.
Variant type: single nucleotide variant.
Coding change: c.1705A>G on transcript NM_018319.4 (MANE Select); coding-DNA position 1705, A replaced by G.
Protein change: p.Thr569Ala; replaces threonine 569 with alanine.
Molecular consequence: missense variant. On other transcripts: intron variant (1).
Genome position (GRCh38, 1-based): chr14:90,033,166, A>G. VCF-style: chr14-90033166-A-G. GRCh37 (hg19) VCF-style: chr14-90499510-A-G.
Other names: c.1705A>G, p.Thr569Ala (NM_001008744.2); c.1645-9904A>G (NM_001330205.2); short protein forms T569A.
Identifiers: ClinVar variation 314839 (VCV000314839.16), dbSNP rs35973343, ClinGen allele CA7304086.
Genomic context (GRCh38, chr14:90,033,166, plus strand): 5'-GGTCTAGACAGTTTCAAAGTGAAACAGAAGTTCTTCGCTGGCAGCCAGGAGCCAATGGCC[A>G]CCTTTCCTGTGCCATATGATTTGCCTCCAGAACTGTATGGAAGTAAAGGTGAGACACAGA-3'
Protein context (NP_060789.2, residues 559-579): FFAGSQEPMA[Thr569Ala]FPVPYDLPPE

ClinVar aggregate classification (germline): Benign/Likely benign. Review status: criteria provided, multiple submitters, no conflicts (2 of 4 stars). 8 submissions from 8 submitters: Benign (5); Likely benign (1). 2 of the submissions do not count toward it. Last evaluated 2026-07-15.

Conditions:
TDP1-related disorder. Also called: TDP1-related condition.
Spinocerebellar ataxia, autosomal recessive, with axonal neuropathy 1 (SCAN1). Identifiers: Orphanet 94124, MedGen C4759870, MONDO:0011801, OMIM 607250.

Allele frequency attached by ClinVar (database versions not stated): TOPMed 0.00470; 1000 Genomes Project 0.00539; 1000 Genomes Project 30x 0.00671; gnomAD exomes 0.00045 and 0.00111; ExAC 0.00138; gnomAD 0.00385 and 0.00413; ESP Exome Variant Server 0.00461.
gnomAD v4.1: 1,284 of 1,613,552 alleles (0.08%); highest among the groups gnomAD compares: African/African-American, 1.5%; 6 homozygotes.

Submissions (8):

PreventionGenetics, part of Exact Sciences
Classification: Benign for TDP1-related condition. Last evaluated: 2026-07-15. Review status: criteria provided, single submitter. Criteria: ACMG Guidelines, 2015. Collection method: clinical testing. Allele origin: germline.
Comment: This variant is classified as benign based on ACMG/AMP sequence variant interpretation guidelines (Richards et al. 2015 PMID: 25741868, with internal and published modifications).

GeneDx
Classification: Likely benign. Last evaluated: 2025-05-27. Review status: criteria provided, single submitter. Criteria: GeneDx Variant Classification Process June 2021. Collection method: clinical testing. Allele origin: germline. Affected: yes.
Comment: See Variant Classification Assertion Criteria.

Mayo Clinic Laboratories, Mayo Clinic
Classification: Benign. Last evaluated: 2025-05-12. Review status: criteria provided, single submitter. Criteria: ACMG Guidelines, 2015. Collection method: clinical testing. Allele origin: germline. Observed: 3 variant alleles.
Comment: BS1, BS2, BP4

Athena Diagnostics
Classification: Benign. Last evaluated: 2018-12-21. Review status: criteria provided, single submitter. Criteria: Athena Diagnostics Criteria. Collection method: clinical testing. Allele origin: germline.

Illumina Laboratory Services, Illumina
Classification: Benign for Spinocerebellar ataxia, autosomal recessive, with axonal neuropathy 1. Last evaluated: 2018-01-13. Review status: criteria provided, single submitter. Criteria: ICSL Variant Classification Criteria 13 December 2019. Collection method: clinical testing. Allele origin: germline.
Comment: This variant was observed in the ICSL laboratory as part of a predisposition screen in an ostensibly healthy population. It had not been previously curated by ICSL or reported in the Human Gene Mutation Database (HGMD: prior to June 1st, 2018), and was therefore a candidate for classification through an automated scoring system. Utilizing variant allele frequency, disease prevalence and penetrance estimates, and inheritance mode, an automated score was calculated to assess if this variant is too frequent to cause the disease. Based on the score and internal cut-off values, a variant classified as benign is not then subjected to further curation. The score for this variant resulted in a classification of benign for this disease.

Breakthrough Genomics
Classification: Benign. Review status: criteria provided, single submitter. Criteria: ACMG Guidelines, 2015. Collection method: not provided. Allele origin: germline. Inheritance: Autosomal recessive inheritance. Affected: yes.

Clinical Genetics DNA and cytogenetics Diagnostics Lab, Erasmus MC, Erasmus Medical Center
Classification: Benign. Review status: no assertion criteria provided. Collection method: clinical testing. Allele origin: germline. Affected: yes. Study: VKGL Data-share Consensus. Not counted in ClinVar's aggregate classification.

Clinical Genetics, Academic Medical Center
Classification: Benign. Review status: no assertion criteria provided. Collection method: clinical testing. Allele origin: germline. Affected: yes. Study: VKGL Data-share Consensus. Not counted in ClinVar's aggregate classification.